The following is an entry in ClinVar:

ClinVar aggregate classification (germline): Uncertain significance (1 of 4 stars; one submission).

gnomAD v4.1: 1 of 1,210,658 alleles (0.000083%); highest among the groups gnomAD compares: Admixed American, 0.0022%; no homozygotes.

Submission:

Women's Health and Genetics/Laboratory Corporation of America, LabCorp
Classification: Uncertain significance. Last evaluated: 2026-04-27. Review status: criteria provided, single submitter. Criteria: LabCorp Variant Classification Summary - May 2015. Collection method: clinical testing. Allele origin: germline.
Comment: Variant summary: MAGT1 c.428C>A (p.Thr143Asn) results in a non-conservative amino acid change in the encoded protein sequence. Algorithms developed to predict the effect of missense changes on protein structure and function are either unavailable or do not agree on the potential impact of this missense change. The variant allele was found at a frequency of 5.5e-06 in 183424 control chromosomes. The available data on variant occurrences in the general population are insufficient to allow any conclusion about variant significance. To our knowledge, no occurrence of c.428C>A in individuals affected with MAGT1-related conditions and no experimental evidence demonstrating its impact on protein function have been reported. No submitters have cited clinical-significance assessments for this variant to ClinVar. Based on the evidence outlined above, the variant was classified as uncertain significance.

NM_001367916.1(MAGT1):c.332C>A (p.Thr111Asn)

Gene: MAGT1 (magnesium transporter 1; minus strand). Cytogenetic location: Xq21.1.
Variant type: single nucleotide variant.
Coding change: c.332C>A on transcript NM_001367916.1 (MANE Select); coding-DNA position 332, C replaced by A.
Protein change: p.Thr111Asn; replaces threonine 111 with asparagine.
Molecular consequence: missense variant.
Genome position (GRCh38, 1-based): chrX:77,870,866, G>T on the plus strand (C>A on the coding strand, the complement: MAGT1 is on the minus strand). VCF-style: chrX-77870866-G-T. GRCh37 (hg19) VCF-style: chrX-77126363-G-T.
Other names: c.428C>A, p.Thr143Asn (NM_032121.5); short protein forms T111N, T143N.
Identifiers: ClinVar variation 4849075 (VCV004849075.1).